The following is an entry in ClinVar:

NM_015272.5(RPGRIP1L):c.1745_1749del (p.Lys582fs)

Gene: RPGRIP1L (RPGRIP1 like; minus strand). Cytogenetic location: 16q12.2.
Variant type: Deletion.
Coding change: c.1745_1749del on transcript NM_015272.5 (MANE Select); coding-DNA positions 1745 to 1749, 5 bases deleted (AACCA; older notation c.1745_1749delAACCA).
Protein change: p.Lys582fs; shifts the reading frame from lysine 582.
Molecular consequence: frameshift variant.
Genome position (GRCh38, 1-based): chr16:53,652,938-53,652,942, TGGTT deleted on the plus strand (AACCA on the coding strand, the reverse complement: RPGRIP1L is on the minus strand); deleting any 5 consecutive bases within chr16:53,652,938-53,652,943 gives the same sequence; the c. name uses the placement nearest the transcript's 3' end. VCF-style (leftmost placement, unchanged base first): chr16-53652937-CTGGTT-C. GRCh37 (hg19) VCF-style: chr16-53686849-CTGGTT-C.
Other names: c.1745_1749del, p.Lys582fs (NM_001127897.4, NM_001308334.3, NM_001330538.2); c.1745_1749del (NM_015272.4); short protein forms K582fs.
Identifiers: ClinVar variation 1453850 (VCV001453850.7), dbSNP rs754766543, ClinGen allele CA8057709.

ClinVar aggregate classification (germline): Pathogenic/Likely pathogenic. Review status: criteria provided, multiple submitters, no conflicts (2 of 4 stars). 2 submissions from 2 submitters: Pathogenic (1); Likely pathogenic (1). Last evaluated 2024-10-16.

Conditions:
Meckel-Gruber syndrome. Also called: DYSENCEPHALIA SPLANCHNOCYSTICA; GRUBER SYNDROME; Dysencephalia splachnocystica. Identifiers: Orphanet 564, MedGen C0265215, MONDO:0018921.
Joubert syndrome. Also called: CEREBELLOPARENCHYMAL DISORDER IV; JOUBERT-BOLTSHAUSER SYNDROME; Familial aplasia of the vermis. Identifiers: Orphanet 475, MedGen C5979921, MONDO:0018772.

Submissions (2):

Natera, Inc.
Classification: Likely pathogenic for Joubert syndrome. Last evaluated: 2024-10-16. Review status: criteria provided, single submitter. Criteria: Natera Variant Classification Schema (03/2026). Collection method: clinical testing. Allele origin: germline.
Comment: The c.1745_1749del variant in RPGRIP1L is a frameshift variant predicted to shift the reading frame beginning at codon 582 and leads to a stop codon 6 codons downstream. This variant is expected to result in nonsense mediated decay, truncation, or a dysfunctional protein product. This variant is rare in the general population with a frequency below the threshold expected for the associated phenotype(s). Given the available evidence, this variant is classified as Likely Pathogenic.

Labcorp Genetics (formerly Invitae), Labcorp
Classification: Pathogenic for Joubert syndrome; Meckel-Gruber syndrome. Last evaluated: 2023-11-24. Review status: criteria provided, single submitter. Criteria: Invitae Variant Classification Sherloc (09022015). Collection method: clinical testing. Allele origin: germline.
Comment: This sequence change creates a premature translational stop signal (p.Lys582Argfs*6) in the RPGRIP1L gene. It is expected to result in an absent or disrupted protein product. Loss-of-function variants in RPGRIP1L are known to be pathogenic (PMID: 17558409). This variant is present in population databases (rs754766543, gnomAD 0.0009%). This variant has not been reported in the literature in individuals affected with RPGRIP1L-related conditions. ClinVar contains an entry for this variant (Variation ID: 1453850). For these reasons, this variant has been classified as Pathogenic.

Literature cited by the submitters: PubMed 17558409 (cited by Labcorp Genetics (formerly Invitae), Labcorp).